The following is an entry in ClinVar:

NM_000179.3(MSH6):c.2211A>G (p.Ala737=)

Gene: MSH6 (mutS homolog 6; plus strand). Cytogenetic location: 2p16.3.
Variant type: single nucleotide variant.
Coding change: c.2211A>G on transcript NM_000179.3 (MANE Select); coding-DNA position 2211, A replaced by G.
Protein change: p.Ala737=; no amino-acid change (alanine 737 retained).
Molecular consequence: synonymous variant. On other transcripts: non-coding transcript variant (5), intron variant (2).
Genome position (GRCh38, 1-based): chr2:47,800,194, A>G. VCF-style: chr2-47800194-A-G. GRCh37 (hg19) VCF-style: chr2-48027333-A-G.
Other names: c.1914A>G, p.Ala638= (NM_001406818.1, NM_001406819.1, NM_001406820.1 and 10 more transcripts); c.1305A>G, p.Ala435= (NM_001406823.1, NM_001406829.1, NM_001281493.2 and 6 more transcripts); c.1606+605A>G (NM_001406817.1); c.628-472A>G (NM_001407362.1); c.2043A>G, p.Ala681= (NM_001406826.1); c.1821A>G, p.Ala607= (NM_001281492.2); c.2307A>G, p.Ala769= (NM_001406795.1, NM_001406802.1); c.2211A>G, p.Ala737= (NM_001406796.1, NM_001406798.1, NM_001406800.1 and 3 more transcripts); and 3 more.
Identifiers: ClinVar variation 2969396 (VCV002969396.4), dbSNP rs780916013, ClinGen allele CA068610.
Genomic context (GRCh38, chr2:47,800,194, plus strand): 5'-CAGCACTACAAGATCTGGTGCTATCTTCACCAAAGCCTATCAACGAATGGTGCTAGATGC[A>G]GTGACATTAAACAACTTGGAGATTTTTCTGAATGGAACAAATGGTTCTACTGAAGGAACC-3'
Protein context (NP_000170.1, residues 727-747): TKAYQRMVLD[Ala737=]VTLNNLEIFL

ClinVar aggregate classification (germline): Benign/Likely benign. Review status: criteria provided, multiple submitters, no conflicts (2 of 4 stars). 2 submissions from 2 submitters: Benign (1); Likely benign (1). Last evaluated 2024-12-30.

Conditions:
Hereditary nonpolyposis colorectal neoplasms. Identifiers: MedGen C0009405, MeSH D003123.
Lynch syndrome 5 (LYNCH5). Also called: Hereditary non-polyposis colorectal cancer, type 5; Colorectal cancer, hereditary nonpolyposis, type 5. Identifiers: Orphanet 144, MedGen C1833477, MONDO:0013710, OMIM 614350. Disease mechanism: loss of function.

Allele frequency attached by ClinVar (database versions not stated): gnomAD exomes below 0.00001; ExAC 0.00001.

Submissions (2):

Myriad Genetics, Inc.
Classification: Benign for Lynch syndrome 5. Last evaluated: 2024-12-30. Review status: criteria provided, single submitter. Criteria: Myriad Autosomal Dominant, Autosomal Recessive and X-Linked Classification Criteria (2023). Collection method: clinical testing. Allele origin: unknown.
Comment: This variant is considered benign. This variant is a silent/synonymous amino acid change and it is not expected to impact splicing.

Labcorp Genetics (formerly Invitae), Labcorp
Classification: Likely benign for Hereditary nonpolyposis colorectal neoplasms. Last evaluated: 2023-09-13. Review status: criteria provided, single submitter. Criteria: Invitae Variant Classification Sherloc (09022015). Collection method: clinical testing. Allele origin: germline.